The following is an entry in ClinVar:

NM_173477.5(USH1G):c.925C>T (p.Arg309Cys)

Gene: USH1G (USH1 protein network component sans; minus strand). Cytogenetic location: 17q25.1.
Variant type: single nucleotide variant.
Coding change: c.925C>T on transcript NM_173477.5 (MANE Select); coding-DNA position 925, C replaced by T.
Protein change: p.Arg309Cys; replaces arginine 309 with cysteine.
Molecular consequence: missense variant.
Genome position (GRCh38, 1-based): chr17:74,919,911, G>A on the plus strand (C>T on the coding strand, the complement: USH1G is on the minus strand). VCF-style: chr17-74919911-G-A. GRCh37 (hg19) VCF-style: chr17-72916006-G-A.
Other names: c.616C>T, p.Arg206Cys (NM_001282489.3); short protein forms R309C, R206C.
Identifiers: ClinVar variation 229612 (VCV000229612.5), dbSNP rs876658113, ClinGen allele CA10577042.

ClinVar aggregate classification (germline): Uncertain significance (1 of 4 stars; one submission).

Allele frequency attached by ClinVar (database versions not stated): gnomAD exomes below 0.00001; TOPMed 0.00001.
gnomAD v4.1: 1 of 1,613,158 alleles (0.000062%); highest among the groups gnomAD compares: African/African-American, 0.0013%; no homozygotes.

Submission:

Laboratory for Molecular Medicine, Mass General Brigham Personalized Medicine
Classification: Uncertain significance. Last evaluated: 2015-06-10. Review status: criteria provided, single submitter. Criteria: LMM Criteria. Collection method: clinical testing. Allele origin: germline. Observed: 1 variant allele.
Comment: The p.Arg309Cys variant in USH1G has not been previously reported in individuals with hearing loss or Usher syndrome and was absent from large population studie s. Computational prediction tools and conservation analyses suggest that the Ile 450Val variant may impact the protein, though this information is not predictive enough to determine pathogenicity. In summary, the clinical significance of the p.Arg309Cys variant is uncertain.